The following is an entry in ClinVar:

NM_006514.4(SCN10A):c.4941C>T (p.Phe1647=)

Gene: SCN10A (sodium voltage-gated channel alpha subunit 10; minus strand). Cytogenetic location: 3p22.2.
Variant type: single nucleotide variant.
Coding change: c.4941C>T on transcript NM_006514.4 (MANE Select); coding-DNA position 4941, C replaced by T.
Protein change: p.Phe1647=; no amino-acid change (phenylalanine 1647 retained).
Molecular consequence: synonymous variant.
Genome position (GRCh38, 1-based): chr3:38,698,279, G>A on the plus strand (C>T on the coding strand, the complement: SCN10A is on the minus strand). VCF-style: chr3-38698279-G-A. GRCh37 (hg19) VCF-style: chr3-38739770-G-A.
Other names: c.4938C>T, p.Phe1646= (NM_001293306.2); c.4647C>T, p.Phe1549= (NM_001293307.2).
Identifiers: ClinVar variation 1744281 (VCV001744281.7), dbSNP rs1393646938, ClinGen allele CA433334008.

ClinVar aggregate classification (germline): Conflicting classifications of pathogenicity. Review status: criteria provided, conflicting classifications (1 of 4 stars). 2 submissions from 2 submitters: Uncertain significance (1); Likely benign (1). Last evaluated 2026-02-03.

Conditions:
Cardiovascular phenotype. Identifiers: MedGen CN230736.
Brugada syndrome. Also called: Sudden Unexplained Death Syndrome; Sudden Unexplained Nocturnal Death Syndrome (SUNDS); Sudden unexplained nocturnal death syndrome; Sudden unexpected nocturnal death syndrome. Identifiers: Orphanet 130, MedGen C1142166, MONDO:0015263.

Allele frequency attached by ClinVar (database versions not stated): gnomAD exomes below 0.00001; TOPMed below 0.00001; gnomAD 0.00001.
gnomAD v4.1: 6 of 1,614,044 alleles (0.00037%); highest among the groups gnomAD compares: African/African-American, 0.0013%; no homozygotes.

Submissions (2):

Labcorp Genetics (formerly Invitae), Labcorp
Classification: Likely benign for Brugada syndrome. Last evaluated: 2026-02-03. Review status: criteria provided, single submitter. Criteria: Invitae Variant Classification Sherloc (09022015). Collection method: clinical testing. Allele origin: germline.

Ambry Genetics
Classification: Uncertain significance for Cardiovascular phenotype. Last evaluated: 2022-10-26. Review status: criteria provided, single submitter. Criteria: Ambry Variant Classification Scheme 2023. Collection method: clinical testing. Allele origin: germline.
Comment: The c.4941C>T variant (also known as p.F1647F), located in coding exon 27 of the SCN10A gene, results from a C to T substitution at nucleotide position 4941. This nucleotide substitution does not change the phenylalanine at codon 1647. This nucleotide position is poorly conserved in available vertebrate species. In silico splice site analysis for this alteration is inconclusive. Since supporting evidence is limited at this time, the clinical significance of this alteration remains unclear.